The following is an entry in ClinVar:

NM_004385.5(VCAN):c.*1678G>T

Gene: VCAN (versican; plus strand). Cytogenetic location: 5q14.3.
Variant type: single nucleotide variant.
Coding change: c.*1678G>T on transcript NM_004385.5 (MANE Select); 1678 bases downstream of the stop codon, G replaced by T.
Molecular consequence: 3 prime UTR variant.
Genome position (GRCh38, 1-based): chr5:83,582,112, G>T. VCF-style: chr5-83582112-G-T. GRCh37 (hg19) VCF-style: chr5-82877931-G-T.
Other names: c.*1678G>T (NM_001126336.3, NM_001164097.2, NM_001164098.2).
Identifiers: ClinVar variation 354500 (VCV000354500.6), dbSNP rs10411, ClinGen allele CA10620932.

ClinVar aggregate classification (germline): Benign (1 of 4 stars; one submission).

Conditions:
Vitreoretinopathy. Also called: Vitreoretinal degeneration. Identifiers: MedGen C0344290, MONDO:0020248, HP:0007773.

Allele frequency attached by ClinVar (database versions not stated): gnomAD 0.00929 and 0.00958; TOPMed 0.01111; 1000 Genomes Project 30x 0.01952; 1000 Genomes Project 0.01997.

Submission:

Illumina Laboratory Services, Illumina
Classification: Benign for Vitreoretinopathy. Last evaluated: 2018-01-12. Review status: criteria provided, single submitter. Criteria: ICSL Variant Classification Criteria 13 December 2019. Collection method: clinical testing. Allele origin: germline.
Comment: This variant was observed in the ICSL laboratory as part of a predisposition screen in an ostensibly healthy population. It had not been previously curated by ICSL or reported in the Human Gene Mutation Database (HGMD: prior to June 1st, 2018), and was therefore a candidate for classification through an automated scoring system. Utilizing variant allele frequency, disease prevalence and penetrance estimates, and inheritance mode, an automated score was calculated to assess if this variant is too frequent to cause the disease. Based on the score and internal cut-off values, a variant classified as benign is not then subjected to further curation. The score for this variant resulted in a classification of benign for this disease.